The following is an entry in ClinVar:

NM_005901.6(SMAD2):c.649A>G (p.Ile217Val)

Gene: SMAD2 (SMAD family member 2; minus strand). Cytogenetic location: 18q21.1.
Variant type: single nucleotide variant.
Coding change: c.649A>G on transcript NM_005901.6 (MANE Select); coding-DNA position 649, A replaced by G.
Protein change: p.Ile217Val; replaces isoleucine 217 with valine.
Molecular consequence: missense variant.
Genome position (GRCh38, 1-based): chr18:47,868,329, T>C on the plus strand (A>G on the coding strand, the complement: SMAD2 is on the minus strand). VCF-style: chr18-47868329-T-C. GRCh37 (hg19) VCF-style: chr18-45394700-T-C.
Other names: c.649A>G, p.Ile217Val (NM_001003652.4); c.559A>G, p.Ile187Val (NM_001135937.3); c.649A>G (NM_005901.5); short protein forms I187V, I217V.
Identifiers: ClinVar variation 3339505 (VCV003339505.2).

ClinVar aggregate classification (germline): Uncertain significance. Review status: criteria provided, multiple submitters, no conflicts (2 of 4 stars). 2 submissions from 2 submitters: Uncertain significance (2). Last evaluated 2024-07-15.

Submissions (2):

Women's Health and Genetics/Laboratory Corporation of America, LabCorp
Classification: Uncertain significance. Last evaluated: 2024-07-15. Review status: criteria provided, single submitter. Criteria: LabCorp Variant Classification Summary - May 2015. Collection method: clinical testing. Allele origin: germline.
Comment: Variant summary: SMAD2 c.649A>G (p.Ile217Val) results in a conservative amino acid change in the encoded protein sequence. Three of five in-silico tools predict a benign effect of the variant on protein function. The variant allele was found at a frequency of 4e-06 in 251186 control chromosomes. The available data on variant occurrences in the general population are insufficient to allow any conclusion about variant significance. To our knowledge, no occurrence of c.649A>G in individuals affected with Loeys-Dietz Syndrome and no experimental evidence demonstrating its impact on protein function have been reported. No submitters have cited clinical-significance assessments for this variant to ClinVar. Based on the evidence outlined above, the variant was classified as uncertain significance.

GeneDx
Classification: Uncertain significance. Last evaluated: 2023-12-27. Review status: criteria provided, single submitter. Criteria: GeneDx Variant Classification Process June 2021. Collection method: clinical testing. Allele origin: germline. Affected: yes.
Comment: Has not been previously published as pathogenic or benign to our knowledge; Not observed at significant frequency in large population cohorts (gnomAD); In silico analysis supports that this missense variant does not alter protein structure/function